The following is an entry in ClinVar:

ClinVar aggregate classification (germline): Uncertain significance (1 of 4 stars; one submission).

Conditions:
Hypertrophic cardiomyopathy 25 (CMH25). Also called: CARDIOMYOPATHY, FAMILIAL HYPERTROPHIC, 25. Identifiers: MedGen C4225408, MONDO:0011843, OMIM 607487.
Primary familial hypertrophic cardiomyopathy (HCM). Identifiers: Orphanet 99739, MedGen C0949658, MeSH D024741, MONDO:0024573. Inheritance: Various modes of inheritance.

Allele frequency attached by ClinVar (database versions not stated): gnomAD exomes below 0.00001; TOPMed below 0.00001.

Submission:

Labcorp Genetics (formerly Invitae), Labcorp
Classification: Uncertain significance for Hypertrophic cardiomyopathy 25; Primary familial hypertrophic cardiomyopathy. Last evaluated: 2025-01-25. Review status: criteria provided, single submitter. Criteria: Invitae Variant Classification Sherloc (09022015). Collection method: clinical testing. Allele origin: germline.
Comment: This sequence change replaces glutamine, which is neutral and polar, with arginine, which is basic and polar, at codon 46 of the TCAP protein (p.Gln46Arg). This variant is not present in population databases (gnomAD no frequency). This variant has not been reported in the literature in individuals affected with TCAP-related conditions. ClinVar contains an entry for this variant (Variation ID: 972386). An algorithm developed to predict the effect of missense changes on protein structure and function outputs the following: PolyPhen-2: "Benign". The arginine amino acid residue is found in multiple mammalian species, which suggests that this missense change does not adversely affect protein function. In summary, the available evidence is currently insufficient to determine the role of this variant in disease. Therefore, it has been classified as a Variant of Uncertain Significance.

NM_003673.4(TCAP):c.137A>G (p.Gln46Arg)

Gene: TCAP (titin-cap; plus strand). Cytogenetic location: 17q12.
Variant type: single nucleotide variant.
Coding change: c.137A>G on transcript NM_003673.4 (MANE Select); coding-DNA position 137, A replaced by G.
Protein change: p.Gln46Arg; replaces glutamine 46 with arginine.
Molecular consequence: missense variant.
Genome position (GRCh38, 1-based): chr17:39,665,742, A>G. VCF-style: chr17-39665742-A-G. GRCh37 (hg19) VCF-style: chr17-37821995-A-G.
Other names: short protein forms Q46R.
Identifiers: ClinVar variation 972386 (VCV000972386.8), dbSNP rs2057249911, ClinGen allele CA399303587.